The following is an entry in ClinVar:

NM_000092.5(COL4A4):c.2869G>A (p.Gly957Arg)

Gene: COL4A4 (collagen type IV alpha 4 chain; minus strand). Cytogenetic location: 2q36.3.
Variant type: single nucleotide variant.
Coding change: c.2869G>A on transcript NM_000092.5 (MANE Select); coding-DNA position 2869, G replaced by A.
Protein change: p.Gly957Arg; replaces glycine 957 with arginine.
Molecular consequence: missense variant.
Genome position (GRCh38, 1-based): chr2:227,052,404, C>T on the plus strand (G>A on the coding strand, the complement: COL4A4 is on the minus strand). VCF-style: chr2-227052404-C-T. GRCh37 (hg19) VCF-style: chr2-227917120-C-T.
Other names: c.2869G>A (NM_000092.4); short protein forms G957R.
Identifiers: ClinVar variation 1333646 (VCV001333646.7), dbSNP rs1402343399, ClinGen allele CA350839552.

ClinVar aggregate classification (germline): Pathogenic/Likely pathogenic. Review status: criteria provided, multiple submitters, no conflicts (2 of 4 stars). 4 submissions from 4 submitters: Pathogenic (3); Likely pathogenic (1). Last evaluated 2026-01-24.

Conditions:
Autosomal recessive Alport syndrome (ATS2). Also called: ALPORT SYNDROME 2, AUTOSOMAL RECESSIVE; COL4A4 Alport Syndrome and Thin Basement Membrane Nephropathy; Alport syndrome type 2; COL4A3-Related Nephropathy. Identifiers: Orphanet 63, Orphanet 88919, MedGen C4746745, MONDO:0008762, OMIM 203780.
Hematuria, benign familial, 1 (BFH1). Also called: THIN MEMBRANE NEPHROPATHY. Identifiers: MedGen CN376803, MONDO:0007709, OMIM 141200.
Alport syndrome. Also called: Hemorrhagic familial nephritis; Hemorrhagic hereditary nephritis; Congenital hereditary hematuria. Identifiers: Orphanet 63, MedGen C1567741, MONDO:0018965.

Submissions (4):

Labcorp Genetics (formerly Invitae), Labcorp
Classification: Pathogenic. Last evaluated: 2026-01-24. Review status: criteria provided, single submitter. Criteria: Invitae Variant Classification Sherloc (09022015). Collection method: clinical testing. Allele origin: germline.
Comment: This sequence change replaces glycine, which is neutral and non-polar, with arginine, which is basic and polar, at codon 957 of the COL4A4 protein (p.Gly957Arg). This variant is not present in population databases (gnomAD no frequency). This missense change has been observed in individual(s) with autosomal dominant Alport syndrome (PMID: 11685592, 15086897). It has also been observed to segregate with disease in related individuals. ClinVar contains an entry for this variant (Variation ID: 1333646). Invitae Evidence Modeling of protein sequence and biophysical properties (such as structural, functional, and spatial information, amino acid conservation, physicochemical variation, residue mobility, and thermodynamic stability) indicates that this missense variant is expected to disrupt COL4A4 protein function with a positive predictive value of 95%. This variant disrupts the p.Gly957 amino acid residue in COL4A4. Other variant(s) that disrupt this residue have been determined to be pathogenic (PMID: 11685592). This suggests that this residue is clinically significant, and that variants that disrupt this residue are likely to be disease-causing. For these reasons, this variant has been classified as Pathogenic.

3billion
Classification: Pathogenic for Autosomal recessive Alport syndrome. Last evaluated: 2025-12-16. Review status: criteria provided, single submitter. Criteria: ACMG Guidelines, 2015. Collection method: clinical testing. Allele origin: germline. Affected: yes.
Comment: The variant is not observed in the gnomAD v4.1.0 dataset. Predicted Consequence/Location: The variant is located in a mutational hot spot and/or well-established functional domain in which established pathogenic variants have been reported (PMID: 30311386, 27627812). In silico tool predictions suggest damaging effect of the variant on gene or gene product [REVEL: 0.98 (>=0.6, sensitivity 0.68 and specificity 0.92)]. The same nucleotide change resulting in the same amino acid change has been previously reported as pathogenic/likely pathogenic with strong evidence (ClinVar ID: VCV001333646 /PMID: 27281700 /3billion dataset). The variant has been reported to be in trans with a pathogenic variant as either compound heterozygous or homozygous in at least one similarly affected unrelated individual (PMID: 25596306). Different missense changes at the same codon (p.Gly957Glu, p.Gly957Val) have been reported to be associated with COL4A4-related disorder (ClinVar ID: VCV000562285, VCV002734407 /PMID: 11685592, 30586318). Therefore, this variant is classified as Pathogenic according to the recommendation of ACMG/AMP guideline.

Natera, Inc.
Classification: Likely pathogenic for Alport syndrome. Last evaluated: 2025-09-15. Review status: criteria provided, single submitter. Criteria: Natera Variant Classification Schema (03/2026). Collection method: clinical testing. Allele origin: germline.
Comment: The c.2869G>A variant in COL4A4 is a missense variant predicted to cause substitution of glycine to arginine at amino acid 957. This variant is rare in the general population with a frequency below the threshold expected for the associated phenotype(s). This variant has been observed in one or more individuals affected with the associated recessive disease, as either homozygous or compound heterozygous with a second variant (PMID: 25596306, 39597783). This variant is located in a functionally critical region of the protein. Computational prediction algorithms indicate this variant is likely to affect gene or protein function. Given the available evidence, this variant is classified as Likely Pathogenic.

Fulgent Genetics
Classification: Pathogenic for Hematuria, benign familial, 1; Autosomal recessive Alport syndrome. Last evaluated: 2024-03-14. Review status: criteria provided, single submitter. Criteria: ACMG Guidelines, 2015. Collection method: clinical testing. Allele origin: germline.

Literature cited by the submitters: PubMed 11685592 (cited by Labcorp Genetics (formerly Invitae), Labcorp and 3billion); PubMed 15086897 (cited by Labcorp Genetics (formerly Invitae), Labcorp); PubMed 25596306 (cited by 3billion and Natera, Inc.); PubMed 27281700 (cited by 3billion); PubMed 39597783 (cited by Natera, Inc.).